The following is an entry in ClinVar:

ClinVar aggregate classification (germline): Pathogenic (1 of 4 stars; one submission).

Conditions:
Duchenne muscular dystrophy (DMD). Also called: Duchenne Muscular Dystrophy (DMD); MUSCULAR DYSTROPHY, PSEUDOHYPERTROPHIC PROGRESSIVE, DUCHENNE TYPE. Identifiers: Orphanet 98896, MedGen C0013264, MONDO:0010679, OMIM 310200.

Submission:

Labcorp Genetics (formerly Invitae), Labcorp
Classification: Pathogenic for Duchenne muscular dystrophy. Last evaluated: 2019-11-15. Review status: criteria provided, single submitter. Criteria: Invitae Variant Classification Sherloc (09022015). Collection method: clinical testing. Allele origin: germline.
Comment: Similar copy number variants have been observed in individual(s) with Duchenne muscular dystrophy (PMID: 7747792). This variant is a gross deletion of the genomic region encompassing exons 1-6 of the DMD gene, which includes the initiator codon. The 5' end of this event is unknown as it extends beyond the assayed region for this gene and therefore may encompass additional genes. The 3' boundary is likely confined to intron 6 of the DMD gene. This is expected to result in an absent or disrupted protein product. Loss-of-function variants in DMD are known to be pathogenic (PMID: 16770791, 25007885). For these reasons, this variant has been classified as Pathogenic.

Literature cited by the submitters: PubMed 7747792; PubMed 16770791; PubMed 25007885.

NC_000023.11:g.(?_32816458)_(33211312_?)del

Gene: DMD (dystrophin; minus strand). Cytogenetic location: Xp21.1.
Variant type: Deletion.
Identifiers: ClinVar variation 832216 (VCV000832216.3).